The following is an entry in ClinVar:

NM_007315.4(STAT1):c.1059G>A (p.Glu353=)

Gene: STAT1 (signal transducer and activator of transcription 1; minus strand). Cytogenetic location: 2q32.2.
Variant type: single nucleotide variant.
Coding change: c.1059G>A on transcript NM_007315.4 (MANE Select); coding-DNA position 1059, G replaced by A.
Protein change: p.Glu353=; no amino-acid change (glutamic acid 353 retained).
Molecular consequence: synonymous variant. On other transcripts: intron variant (1).
Genome position (GRCh38, 1-based): chr2:190,989,653, C>T on the plus strand (G>A on the coding strand, the complement: STAT1 is on the minus strand). VCF-style: chr2-190989653-C-T. GRCh37 (hg19) VCF-style: chr2-191854379-C-T.
Other names: c.1065G>A, p.Glu355= (NM_001384881.1, NM_001384884.1); c.1059G>A, p.Glu353= (NM_001384882.1, NM_001384886.1, NM_001384888.1 and 2 more transcripts); c.960G>A, p.Glu320= (NM_001384883.1); c.900G>A, p.Glu300= (NM_001384885.1); c.966G>A, p.Glu322= (NM_001384887.1); c.969G>A, p.Glu323= (NM_001384890.1); c.1095G>A, p.Glu365= (NM_001384891.1); c.1037+1575G>A (NM_001384880.1).
Identifiers: ClinVar variation 541832 (VCV000541832.20), dbSNP rs371279547, ClinGen allele CA2030075.

ClinVar aggregate classification (germline): Likely benign. Review status: criteria provided, multiple submitters, no conflicts (2 of 4 stars). 3 submissions from 3 submitters: Likely benign (3). Last evaluated 2025-10-14.

Conditions:
Autoimmune enteropathy and endocrinopathy - susceptibility to chronic infections syndrome. Also called: Immunodeficiency 31C; Immunodeficiency 31C, autosomal dominant. Identifiers: Orphanet 391487, MedGen C3279990, MONDO:0013599, OMIM 614162.
Immunodeficiency 31B. Also called: IMMUNODEFICIENCY 31B, MYCOBACTERIAL AND VIRAL INFECTIONS, AUTOSOMAL RECESSIVE; STAT1 DEFICIENCY, AUTOSOMAL RECESSIVE. Identifiers: Orphanet 391311, MedGen C3151088, MONDO:0013427, OMIM 613796.
Mendelian susceptibility to mycobacterial diseases due to partial STAT1 deficiency. Also called: IMMUNODEFICIENCY 31A, MYCOBACTERIOSIS, AUTOSOMAL DOMINANT; STAT1 DEFICIENCY, AUTOSOMAL DOMINANT; Immunodeficiency 31a. Identifiers: Orphanet 319595, MedGen C4013950, MONDO:0013956, OMIM 614892.

Allele frequency attached by ClinVar (database versions not stated): gnomAD 0.00011 and 0.00013; gnomAD exomes 0.00012 and 0.00027; TOPMed 0.00016; ExAC 0.00019; ESP Exome Variant Server 0.00023.
gnomAD v4.1: 439 of 1,596,700 alleles (0.027%); highest among the groups gnomAD compares: Non-Finnish European, 0.034%; 1 homozygote.

Submissions (3):

Labcorp Genetics (formerly Invitae), Labcorp
Classification: Likely benign for Mendelian susceptibility to mycobacterial diseases due to partial STAT1 deficiency; Immunodeficiency 31B; Autoimmune enteropathy and endocrinopathy - susceptibility to chronic infections syndrome. Last evaluated: 2025-10-14. Review status: criteria provided, single submitter. Criteria: Invitae Variant Classification Sherloc (09022015). Collection method: clinical testing. Allele origin: germline.

CeGaT Center for Human Genetics Tuebingen
Classification: Likely benign. Last evaluated: 2025-06-01. Review status: criteria provided, single submitter. Criteria: CeGaT Center For Human Genetics Tuebingen Variant Classification Criteria Version 2. Collection method: clinical testing. Allele origin: germline. Affected: yes. Observed: 1 variant allele.
Comment: STAT1: BP4, BP7

Blueprint Genetics
Classification: Likely benign. Last evaluated: 2023-06-21. Review status: criteria provided, single submitter. Criteria: ACMG Guidelines, 2015. Collection method: clinical testing. Allele origin: germline.